The following is an entry in ClinVar:

NM_020686.6(ABAT):c.22C>T (p.Gln8Ter)

Gene: ABAT (4-aminobutyrate aminotransferase; plus strand). Cytogenetic location: 16p13.2.
Variant type: single nucleotide variant.
Coding change: c.22C>T on transcript NM_020686.6 (MANE Select); coding-DNA position 22, C replaced by T.
Protein change: p.Gln8Ter; replaces glutamine 8 with a stop codon.
Molecular consequence: nonsense. On other transcripts: intron variant (3).
Genome position (GRCh38, 1-based): chr16:8,735,761, C>T. VCF-style: chr16-8735761-C-T. GRCh37 (hg19) VCF-style: chr16-8829618-C-T.
Other names: c.22C>T, p.Gln8Ter (NM_000663.5, NM_001127448.2, NM_001386600.1 and 13 more transcripts); c.-65-10240C>T (NM_001386611.1, NM_001386612.1, NM_001386613.1); short protein forms Q8*.
Identifiers: ClinVar variation 2674702 (VCV002674702.3), dbSNP rs1355739310, ClinGen allele CA394691065.

ClinVar aggregate classification (germline): Pathogenic/Likely pathogenic. Review status: criteria provided, multiple submitters, no conflicts (2 of 4 stars). 2 submissions from 2 submitters: Pathogenic (1); Likely pathogenic (1). Last evaluated 2024-04-29.

Conditions:
Gamma-aminobutyric acid transaminase deficiency (GABATD). Also called: GABA aminotransaminase deficiency; GABA transaminase deficiency; Gamma aminobutyrate transaminase deficiency; 4 alpha aminobutyrate transaminase deficiency. Identifiers: Orphanet 2066, MedGen C0342708, MONDO:0013166, OMIM 613163.

Allele frequency attached by ClinVar (database versions not stated): gnomAD exomes below 0.00001.
gnomAD v4.1: 5 of 1,607,170 alleles (0.00031%); highest among the groups gnomAD compares: Non-Finnish European, 0.00042%; no homozygotes.

Submissions (2):

Labcorp Genetics (formerly Invitae), Labcorp
Classification: Pathogenic for Gamma-aminobutyric acid transaminase deficiency. Last evaluated: 2024-04-29. Review status: criteria provided, single submitter. Criteria: Invitae Variant Classification Sherloc (09022015). Collection method: clinical testing. Allele origin: germline.
Comment: This sequence change creates a premature translational stop signal (p.Gln8*) in the ABAT gene. It is expected to result in an absent or disrupted protein product. Loss-of-function variants in ABAT are known to be pathogenic (PMID: 20052547, 25738457). The frequency data for this variant in the population databases is considered unreliable, as metrics indicate poor data quality at this position in the gnomAD database. This variant has not been reported in the literature in individuals affected with ABAT-related conditions. For these reasons, this variant has been classified as Pathogenic.

Baylor Genetics
Classification: Likely pathogenic for Gamma-aminobutyric acid transaminase deficiency. Last evaluated: 2023-10-31. Review status: criteria provided, single submitter. Criteria: ACMG Guidelines, 2015. Collection method: clinical testing. Allele origin: unknown.

Literature cited by the submitters: PubMed 20052547 (cited by Labcorp Genetics (formerly Invitae), Labcorp); PubMed 25738457 (cited by Labcorp Genetics (formerly Invitae), Labcorp).